The following is an entry in ClinVar:

ClinVar aggregate classification (germline): Uncertain significance. Review status: criteria provided, multiple submitters, no conflicts (2 of 4 stars). 2 submissions from 2 submitters: Uncertain significance (2). Last evaluated 2023-10-08.

Conditions:
Brittle cornea syndrome 1 (BCS1). Also called: CORNEAL FRAGILITY, KERATOGLOBUS, BLUE SCLERAE, JOINT HYPEREXTENSIBILITY; EDS6B; FRAGILITAS OCULI WITH JOINT HYPEREXTENSIBILITY; Corneal fragility keratoglobus, blue sclerae AND joint hypermobility; DYSGENESIS MESODERMALIS CORNEAE ET SCLERAE. Identifiers: Orphanet 90354, MedGen C0268344, MONDO:0024543, OMIM 229200.
Cardiovascular phenotype. Identifiers: MedGen CN230736.

Allele frequency attached by ClinVar (database versions not stated): gnomAD 0.00001; TOPMed 0.00001; gnomAD exomes 0.00002 and 0.00004; ExAC 0.00007.
gnomAD v4.1: 33 of 1,549,776 alleles (0.0021%); highest among the groups gnomAD compares: South Asian, 0.019%; no homozygotes.

Submissions (2):

Ambry Genetics
Classification: Uncertain significance for Cardiovascular phenotype. Last evaluated: 2023-10-08. Review status: criteria provided, single submitter. Criteria: Ambry Variant Classification Scheme 2023. Collection method: clinical testing. Allele origin: germline.
Comment: The p.T600M variant (also known as c.1799C>T), located in coding exon 1 of the ZNF469 gene, results from a C to T substitution at nucleotide position 1799. The threonine at codon 600 is replaced by methionine, an amino acid with similar properties. This amino acid position is conserved. In addition, this alteration is predicted to be tolerated by in silico analysis. Since supporting evidence is limited at this time, the clinical significance of this alteration remains unclear.

Center for Genomics, Ann and Robert H. Lurie Children's Hospital of Chicago
Classification: Uncertain significance for Brittle cornea syndrome 1. Last evaluated: 2022-02-08. Review status: criteria provided, single submitter. Criteria: ACMG Guidelines, 2015. Collection method: clinical testing. Allele origin: germline.
Comment: This variant has not been reported in the literature but is present in 0.02% (5/22604) of South Asian alleles in the Genome Aggregation Database (88495677 C T?dataset=gnomad_r2_1). Evolutionary conservation suggests this variant may not impact the protein but computational predictive tools for this variant are unclear. In summary, data on this variant is insufficient for disease classification. Therefore, the clinical significance of this variant is uncertain.

NM_001367624.2(ZNF469):c.1799C>T (p.Thr600Met)

Gene: ZNF469 (zinc finger protein 469; plus strand). Cytogenetic location: 16q24.2.
Variant type: single nucleotide variant.
Coding change: c.1799C>T on transcript NM_001367624.2 (MANE Select); coding-DNA position 1799, C replaced by T.
Protein change: p.Thr600Met; replaces threonine 600 with methionine.
Molecular consequence: missense variant.
Genome position (GRCh38, 1-based): chr16:88,429,269, C>T. VCF-style: chr16-88429269-C-T. GRCh37 (hg19) VCF-style: chr16-88495677-C-T.
Other names: NM_001127464.1:c.1799C>T; short protein forms T600M.
Identifiers: ClinVar variation 1675157 (VCV001675157.3), dbSNP rs749374208, ClinGen allele CA8224711.